The following is an entry in ClinVar:

ClinVar aggregate classification (germline): Uncertain significance (1 of 4 stars; one submission).

Allele frequency attached by ClinVar (database versions not stated): gnomAD 0.00001; TOPMed 0.00003.
gnomAD v4.1: 29 of 1,614,040 alleles (0.0018%); highest among the groups gnomAD compares: Non-Finnish European, 0.0016%; no homozygotes.

Submission:

Labcorp Genetics (formerly Invitae), Labcorp
Classification: Uncertain significance. Last evaluated: 2025-01-02. Review status: criteria provided, single submitter. Criteria: Invitae Variant Classification Sherloc (09022015). Collection method: clinical testing. Allele origin: germline.
Comment: This sequence change creates a premature translational stop signal (p.Gln666*) in the KIF20A gene. It is expected to result in an absent or disrupted protein product. However, the current clinical and genetic evidence is not sufficient to establish whether loss-of-function variants in KIF20A cause disease. This variant is present in population databases (rs749204429, gnomAD 0.01%). This variant has not been reported in the literature in individuals affected with KIF20A-related conditions. ClinVar contains an entry for this variant (Variation ID: 1937075). Algorithms developed to predict the effect of sequence changes on RNA splicing suggest that this variant may disrupt the consensus splice site. In summary, the available evidence is currently insufficient to determine the role of this variant in disease. Therefore, it has been classified as a Variant of Uncertain Significance.

NM_005733.3(KIF20A):c.1996C>T (p.Gln666Ter)

Gene: KIF20A (kinesin family member 20A; plus strand). Cytogenetic location: 5q31.2.
Variant type: single nucleotide variant.
Coding change: c.1996C>T on transcript NM_005733.3 (MANE Select); coding-DNA position 1996, C replaced by T.
Protein change: p.Gln666Ter; replaces glutamine 666 with a stop codon.
Molecular consequence: nonsense.
Genome position (GRCh38, 1-based): chr5:138,185,581, C>T. VCF-style: chr5-138185581-C-T. GRCh37 (hg19) VCF-style: chr5-137521270-C-T.
Other names: short protein forms Q666*.
Identifiers: ClinVar variation 1937075 (VCV001937075.5), dbSNP rs749204429, ClinGen allele CA3426781.